The following is an entry in ClinVar:

ClinVar aggregate classification (germline): Likely benign. Review status: criteria provided, multiple submitters, no conflicts (2 of 4 stars). 5 submissions from 5 submitters: Likely benign (4). 1 of the submissions does not count toward it. Last evaluated 2026-02-01.

Conditions:
BCS1L-related disorder. Also called: BCS1L-related condition; BCS1L-related disorders. Identifiers: MedGen CN239240.

Allele frequency attached by ClinVar (database versions not stated): gnomAD exomes 0.00017 and 0.00041; TOPMed 0.00021; gnomAD 0.00023 and 0.00024; ExAC 0.00013; ESP Exome Variant Server 0.00015.

Submissions (5):

CeGaT Center for Human Genetics Tuebingen
Classification: Likely benign. Last evaluated: 2026-02-01. Review status: criteria provided, single submitter. Criteria: CeGaT Center For Human Genetics Tuebingen Variant Classification Criteria Version 2. Collection method: clinical testing. Allele origin: germline. Affected: yes. Observed: 3 variant alleles.
Comment: BCS1L: BP4, BP7

Labcorp Genetics (formerly Invitae), Labcorp
Classification: Likely benign. Last evaluated: 2025-12-31. Review status: criteria provided, single submitter. Criteria: Invitae Variant Classification Sherloc (09022015). Collection method: clinical testing. Allele origin: germline.

Blueprint Genetics
Classification: Likely benign. Last evaluated: 2024-08-07. Review status: criteria provided, single submitter. Criteria: ACMG Guidelines, 2015. Collection method: clinical testing. Allele origin: germline.

GeneDx
Classification: Likely benign. Last evaluated: 2019-11-04. Review status: criteria provided, single submitter. Criteria: GeneDx Variant Classification Process June 2021. Collection method: clinical testing. Allele origin: germline. Affected: yes.

PreventionGenetics, part of Exact Sciences
Classification: Likely benign for BCS1L-related condition. Last evaluated: 2019-07-06. Review status: no assertion criteria provided. Collection method: clinical testing. Allele origin: germline. Not counted in ClinVar's aggregate classification.
Comment: This variant is classified as likely benign based on ACMG/AMP sequence variant interpretation guidelines (Richards et al. 2015 PMID: 25741868, with internal and published modifications).

NM_001079866.2(BCS1L):c.1044C>T (p.Asp348=)

Gene: BCS1L (BCS1 ubiquinol-cytochrome c reductase complex chaperone; plus strand). Cytogenetic location: 2q35.
Variant type: single nucleotide variant.
Coding change: c.1044C>T on transcript NM_001079866.2 (MANE Select); coding-DNA position 1044, C replaced by T.
Protein change: p.Asp348=; no amino-acid change (aspartic acid 348 retained).
Molecular consequence: synonymous variant. On other transcripts: non-coding transcript variant (1).
Genome position (GRCh38, 1-based): chr2:218,663,170, C>T. VCF-style: chr2-218663170-C-T. GRCh37 (hg19) VCF-style: chr2-219527893-C-T.
Other names: c.1044C>T, p.Asp348= (NM_001257342.2, NM_001257343.2, NM_001257344.2 and 10 more transcripts); c.684C>T, p.Asp228= (NM_001318836.2, NM_001371451.1); c.543C>T, p.Asp181= (NM_001371452.1, NM_001371453.1, NM_001371454.1 and 3 more transcripts).
Identifiers: ClinVar variation 507890 (VCV000507890.36), dbSNP rs148941016, ClinGen allele CA2109837.